The following is an entry in ClinVar:

ClinVar aggregate classification (germline): Likely benign (1 of 4 stars; one submission).

Conditions:
VAX1-related disorder. Also called: VAX1-related condition.

gnomAD v4.1: 688 of 1,612,076 alleles (0.043%); highest among the groups gnomAD compares: African/African-American, 0.85%; 4 homozygotes.

Submission:

PreventionGenetics, part of Exact Sciences
Classification: Likely benign for VAX1-related condition. Last evaluated: 2024-12-06. Review status: criteria provided, single submitter. Criteria: ACMG Guidelines, 2015. Collection method: clinical testing. Allele origin: germline.
Comment: This variant is classified as likely benign based on ACMG/AMP sequence variant interpretation guidelines (Richards et al. 2015 PMID: 25741868, with internal and published modifications).

NC_000010.11:g.117132205C>T

Gene: VAX1 (ventral anterior homeobox 1; minus strand). Cytogenetic location: 10q25.3.
Variant type: single nucleotide variant.
Molecular consequence: 3 prime UTR variant (on NM_199131.3).
Genome position: GRCh38 VCF-style: chr10-117132205-C-T. GRCh37 (hg19) VCF-style: chr10-118891716-C-T.
Other names: c.*4G>A (NM_199131.3).
Identifiers: ClinVar variation 4977006 (VCV004977006.1).